The following is an entry in ClinVar:

NM_020631.6(PLEKHG5):c.1801-2A>G

Gene: PLEKHG5 (pleckstrin homology and RhoGEF domain containing G5; minus strand). Cytogenetic location: 1p36.31.
Variant type: single nucleotide variant.
Coding change: c.1801-2A>G on transcript NM_020631.6 (MANE Select); the canonical splice acceptor site of the intron before coding-DNA position 1801, A replaced by G.
Molecular consequence: splice acceptor variant.
Genome position (GRCh38, 1-based): chr1:6,469,678, T>C on the plus strand (A>G on the coding strand, the complement: PLEKHG5 is on the minus strand). VCF-style: chr1-6469678-T-C. GRCh37 (hg19) VCF-style: chr1-6529738-T-C.
Other names: c.1801-2A>G (NM_198681.4, NM_001265594.3, NM_001042664.2 and 1 more transcripts); c.1912-2A>G (NM_001042663.3, NM_001265592.2); c.2008-2A>G (NM_001265593.2).
Identifiers: ClinVar variation 2949418 (VCV002949418.3), dbSNP rs2523138636, ClinGen allele CA338122667.
Genomic context (GRCh38, chr1:6,469,678, plus strand): 5'-TTCTTCACTGCTTTGGTCACCAACAGCAGATCCGTGAAGAGGAAGCAGTACACATCCATC[T>C]GCAGTGGCAGGAGGGGGGGTGGCCAGAGAGGCCAGCAGGGTCAGGGCCAGGGACTGTGGC-3'

ClinVar aggregate classification (germline): Likely pathogenic (1 of 4 stars; one submission).

Conditions:
Charcot-Marie-Tooth disease recessive intermediate C. Also called: CHARCOT-MARIE-TOOTH NEUROPATHY, RECESSIVE INTERMEDIATE C. Identifiers: Orphanet 369867, MedGen C3809309, MONDO:0014154, OMIM 615376.
Neuronopathy, distal hereditary motor, autosomal recessive 4. Also called: Autosomal recessive lower motor neuron disease with childhood onset; NEUROPATHY, DISTAL HEREDITARY MOTOR, AUTOSOMAL RECESSIVE 4. Identifiers: Orphanet 206580, MedGen C1970211, MONDO:0012608, OMIM 611067.

Submission:

Labcorp Genetics (formerly Invitae), Labcorp
Classification: Likely pathogenic for Neuronopathy, distal hereditary motor, autosomal recessive 4; Charcot-Marie-Tooth disease recessive intermediate C. Last evaluated: 2023-07-09. Review status: criteria provided, single submitter. Criteria: Invitae Variant Classification Sherloc (09022015). Collection method: clinical testing. Allele origin: germline.
Comment: This sequence change affects an acceptor splice site in intron 16 of the PLEKHG5 gene. It is expected to disrupt RNA splicing. Variants that disrupt the donor or acceptor splice site typically lead to a loss of protein function (PMID: 16199547), and loss-of-function variants in PLEKHG5 are known to be pathogenic (PMID: 17564964, 23777631). In summary, the currently available evidence indicates that the variant is pathogenic, but additional data are needed to prove that conclusively. Therefore, this variant has been classified as Likely Pathogenic. Algorithms developed to predict the effect of sequence changes on RNA splicing suggest that this variant may disrupt the consensus splice site. This variant has not been reported in the literature in individuals affected with PLEKHG5-related conditions. This variant is not present in population databases (gnomAD no frequency).

Literature cited by the submitters: PubMed 16199547; PubMed 17564964; PubMed 23777631.